The following is an entry in ClinVar:

NM_000214.3(JAG1):c.2682G>T (p.Lys894Asn)

Gene: JAG1 (jagged canonical Notch ligand 1; minus strand). Cytogenetic location: 20p12.2.
Variant type: single nucleotide variant.
Coding change: c.2682G>T on transcript NM_000214.3 (MANE Select); coding-DNA position 2682, G replaced by T.
Protein change: p.Lys894Asn; replaces lysine 894 with asparagine.
Molecular consequence: missense variant.
Genome position (GRCh38, 1-based): chr20:10,641,783, C>A on the plus strand (G>T on the coding strand, the complement: JAG1 is on the minus strand). VCF-style: chr20-10641783-C-A. GRCh37 (hg19) VCF-style: chr20-10622431-C-A.
Other names: short protein forms K894N.
Identifiers: ClinVar variation 1981408 (VCV001981408.4), dbSNP rs1896874855, ClinGen allele CA408245210.
Genomic context (GRCh38, chr20:10,641,783, plus strand): 5'-CAGGCATGCTCATCCCTGATTCCAGAACACAGGTGAACTGCGGCAGCCATCATGTCCTAC[C>A]TTTGAGCAGGCGATCCGTCCATTCAGGCACTGGCAGGTATTACAGTCATCATCCCATTTG-3'
Protein context (NP_000205.1, residues 884-904): QCLNGRIACS[Lys894Asn]VWCGPRPCLL

ClinVar aggregate classification (germline): Uncertain significance (1 of 4 stars; one submission).

Conditions:
Alagille syndrome due to a JAG1 point mutation. Also called: HEPATIC DUCTULAR HYPOPLASIA, SYNDROMATIC; Alagille Syndrome 1; JAG1-Related Alagille Syndrome. Identifiers: Orphanet 261619, Orphanet 52, MedGen C1956125, MONDO:0016862, OMIM 118450.

Allele frequency attached by ClinVar (database versions not stated): gnomAD exomes below 0.00001.
gnomAD v4.1: 1 of 1,613,398 alleles (0.000062%); highest among the groups gnomAD compares: African/African-American, 0.0013%; no homozygotes.

Submission:

Labcorp Genetics (formerly Invitae), Labcorp
Classification: Uncertain significance for Alagille syndrome due to a JAG1 point mutation. Last evaluated: 2022-08-30. Review status: criteria provided, single submitter. Criteria: Invitae Variant Classification Sherloc (09022015). Collection method: clinical testing. Allele origin: germline.
Comment: This sequence change replaces lysine, which is basic and polar, with asparagine, which is neutral and polar, at codon 894 of the JAG1 protein (p.Lys894Asn). This variant also falls at the last nucleotide of exon 22, which is part of the consensus splice site for this exon. This variant is not present in population databases (gnomAD no frequency). This variant has not been reported in the literature in individuals affected with JAG1-related conditions. Algorithms developed to predict the effect of missense changes on protein structure and function (SIFT, PolyPhen-2, Align-GVGD) all suggest that this variant is likely to be disruptive. Variants that disrupt the consensus splice site are a relatively common cause of aberrant splicing (PMID: 17576681, 9536098). Algorithms developed to predict the effect of sequence changes on RNA splicing suggest that this variant may disrupt the consensus splice site. In summary, the available evidence is currently insufficient to determine the role of this variant in disease. Therefore, it has been classified as a Variant of Uncertain Significance.

Literature cited by the submitters: PubMed 17576681; PubMed 9536098.